The following is an entry in ClinVar:

ClinVar aggregate classification (germline): Uncertain significance (1 of 4 stars; one submission).

Conditions:
Hypertrophic cardiomyopathy 14. Identifiers: MedGen C2750467, MONDO:0013197, OMIM 613251.

Allele frequency attached by ClinVar (database versions not stated): gnomAD exomes below 0.00001.
gnomAD v4.1: 1 of 1,614,218 alleles (0.000062%); highest among the groups gnomAD compares: East Asian, 0.0022%; no homozygotes.

Submission:

Labcorp Genetics (formerly Invitae), Labcorp
Classification: Uncertain significance for Hypertrophic cardiomyopathy 14. Last evaluated: 2022-11-22. Review status: criteria provided, single submitter. Criteria: Invitae Variant Classification Sherloc (09022015). Collection method: clinical testing. Allele origin: germline.
Comment: In summary, the available evidence is currently insufficient to determine the role of this variant in disease. Therefore, it has been classified as a Variant of Uncertain Significance. Advanced modeling of protein sequence and biophysical properties (such as structural, functional, and spatial information, amino acid conservation, physicochemical variation, residue mobility, and thermodynamic stability) has been performed at Invitae for this missense variant, however the output from this modeling did not meet the statistical confidence thresholds required to predict the impact of this variant on MYH6 protein function. This variant has not been reported in the literature in individuals affected with MYH6-related conditions. This variant is not present in population databases (gnomAD no frequency). This sequence change replaces glutamic acid, which is acidic and polar, with lysine, which is basic and polar, at codon 885 of the MYH6 protein (p.Glu885Lys).

NM_002471.4(MYH6):c.2653G>A (p.Glu885Lys)

Gene: MYH6 (myosin heavy chain 6; minus strand). Cytogenetic location: 14q11.2.
Variant type: single nucleotide variant.
Coding change: c.2653G>A on transcript NM_002471.4 (MANE Select); coding-DNA position 2653, G replaced by A.
Protein change: p.Glu885Lys; replaces glutamic acid 885 with lysine.
Molecular consequence: missense variant.
Genome position (GRCh38, 1-based): chr14:23,394,100, C>T on the plus strand (G>A on the coding strand, the complement: MYH6 is on the minus strand). VCF-style: chr14-23394100-C-T. GRCh37 (hg19) VCF-style: chr14-23863309-C-T.
Other names: short protein forms E885K.
Identifiers: ClinVar variation 2113801 (VCV002113801.4), dbSNP rs2502171703, ClinGen allele CA389013825.
Genomic context (GRCh38, chr14:23,394,100, plus strand): 5'-GGCTGAAGAGATAATCACGTGGCCTCACCGCCTGCACTTGGAGCTGCAGGTCATTCTTCT[C>T]CTGCAGCAGGGACACCATCTTCTCCTCCAGCTCCTTGCGGCGAGCCTCGGACTTCTCCAG-3'
Protein context (NP_002462.2, residues 875-895): LEEKMVSLLQ[Glu885Lys]KNDLQLQVQA